The following is an entry in ClinVar:

ClinVar aggregate classification (germline): not provided. Review status: no classification provided (0 of 4 stars). 2 submissions from 1 submitter: not provided (2).

Conditions:
Normal pregnancy. Identifiers: MedGen C0232989.
Gestational diabetes mellitus uncontrolled. Identifiers: MedGen C3532257.

Submissions (2):

Institute of Molecular and Cell Biology, University of Tartu
No classification provided. Condition: Normal pregnancy. Review status: no classification provided. Collection method: case-control. Allele origin: unknown. Affected: yes. Study: Kasak2014.
Comment: The study aimed to determine the contribution of copy number variants in the genetic etiology of normal and complicated pregnancies. The samples represented (i) maternal blood DNA drawn from healthy pregnant women during 1st or 2nd trimester and (ii) maternal and paternal blood DNA drawn at term pregnancy cases representing normal and complicated gestations (severe preeclampsia, PE; gestational diabetes, GD; small-for-gestational age newborn, SGA; large-for-gestational age newborn, LGA). We performed CNV calling based on genome-wide genotyping dataset (Illumina HumanOmniExpress-24-v1 BeadChip) by applying three algorithms, QuantiSNP, GADA (Genome Alteration Detection Algorithm) and CNstream in parallel. The acquired CNV calls were merged with HD-CNV (Hotspot Detector for Copy Number Variants) program and only the CNVs predicted by at least two programs, were considered in subsequent analysis.

Institute of Molecular and Cell Biology, University of Tartu
No classification provided. Condition: Gestational diabetes mellitus uncontrolled. Review status: no classification provided. Collection method: case-control. Allele origin: unknown. Affected: yes. Study: Kasak2014.
Comment: the same text as in the submission from Institute of Molecular and Cell Biology, University of Tartu above.

Literature cited by the submitters: PubMed 25666259.

Single allele

Genes: LINC02888 (long intergenic non-protein coding RNA 2888; plus strand), LOC126859952 (P300/CBP strongly-dependent group 1 enhancer GRCh37_chr7:17445039-17446238; plus strand). Cytogenetic location: 7p21.1.
Variant type: Deletion.
Identifiers: ClinVar variation 157041 (VCV000157041.2).